The following is an entry in ClinVar:

ClinVar aggregate classification (germline): Uncertain significance (1 of 4 stars; one submission).

Conditions:
Cardiovascular phenotype. Identifiers: MedGen CN230736.

Submission:

Ambry Genetics
Classification: Uncertain significance for Cardiovascular phenotype. Last evaluated: 2020-04-07. Review status: criteria provided, single submitter. Criteria: Ambry Variant Classification Scheme 2023. Collection method: clinical testing. Allele origin: germline.
Comment: The p.L1890V variant (also known as c.5668C>G), located in coding exon 26 of the APOB gene, results from a C to G substitution at nucleotide position 5668. The leucine at codon 1890 is replaced by valine, an amino acid with highly similar properties. This amino acid position is well conserved in available vertebrate species; however, valine is the reference amino acid in other vertebrate species. In addition, this alteration is predicted to be tolerated by in silico analysis. Since supporting evidence is limited at this time, the clinical significance of this alteration remains unclear.

NM_000384.3(APOB):c.5668C>G (p.Leu1890Val)

Gene: APOB (apolipoprotein B; minus strand). Cytogenetic location: 2p24.1.
Variant type: single nucleotide variant.
Coding change: c.5668C>G on transcript NM_000384.3 (MANE Select); coding-DNA position 5668, C replaced by G.
Protein change: p.Leu1890Val; replaces leucine 1890 with valine.
Molecular consequence: missense variant.
Genome position (GRCh38, 1-based): chr2:21,011,200, G>C on the plus strand (C>G on the coding strand, the complement: APOB is on the minus strand). VCF-style: chr2-21011200-G-C. GRCh37 (hg19) VCF-style: chr2-21234072-G-C.
Other names: short protein forms L1890V.
Identifiers: ClinVar variation 1748939 (VCV001748939.2), dbSNP rs780687467, ClinGen allele CA346004233.